The following is an entry in ClinVar:

NM_005228.5(EGFR):c.3336T>G (p.Asn1112Lys)

Gene: EGFR (epidermal growth factor receptor; plus strand). Cytogenetic location: 7p11.2.
Variant type: single nucleotide variant.
Coding change: c.3336T>G on transcript NM_005228.5 (MANE Select); coding-DNA position 3336, T replaced by G.
Protein change: p.Asn1112Lys; replaces asparagine 1112 with lysine.
Molecular consequence: missense variant.
Genome position (GRCh38, 1-based): chr7:55,205,320, T>G. VCF-style: chr7-55205320-T-G. GRCh37 (hg19) VCF-style: chr7-55273013-T-G.
Other names: c.3177T>G, p.Asn1059Lys (NM_001346900.2); c.2535T>G, p.Asn845Lys (NM_001346941.2); c.3201T>G, p.Asn1067Lys (NM_001346899.2); short protein forms N1067K, N1112K, N1059K, N845K.
Identifiers: ClinVar variation 4247317 (VCV004247317.1).

ClinVar aggregate classification (germline): Uncertain significance (1 of 4 stars; one submission).

Conditions:
Hereditary cancer-predisposing syndrome. Also called: Hereditary Cancer Syndrome; Hereditary neoplastic syndrome; Neoplastic Syndromes, Hereditary; Tumor predisposition. Identifiers: Orphanet 140162, MedGen C0027672, MeSH D009386, MONDO:0015356.

Submission:

Ambry Genetics
Classification: Uncertain significance for Hereditary cancer-predisposing syndrome. Last evaluated: 2025-07-25. Review status: criteria provided, single submitter. Criteria: Ambry Variant Classification Scheme 2023. Collection method: clinical testing. Allele origin: germline.
Comment: The p.N1112K variant (also known as c.3336T>G), located in coding exon 28 of the EGFR gene, results from a T to G substitution at nucleotide position 3336. The asparagine at codon 1112 is replaced by lysine, an amino acid with similar properties. This amino acid position is conserved. In addition, this alteration is predicted to be tolerated by in silico analysis. Based on the available evidence, the clinical significance of this variant remains unclear.